The following is an entry in ClinVar:

NM_194248.3(OTOF):c.235G>C (p.Gly79Arg)

Gene: OTOF (otoferlin; minus strand). Cytogenetic location: 2p23.3.
Variant type: single nucleotide variant.
Coding change: c.235G>C on transcript NM_194248.3 (MANE Select); coding-DNA position 235, G replaced by C.
Protein change: p.Gly79Arg; replaces glycine 79 with arginine.
Molecular consequence: missense variant.
Genome position (GRCh38, 1-based): chr2:26,519,102, C>G on the plus strand (G>C on the coding strand, the complement: OTOF is on the minus strand). VCF-style: chr2-26519102-C-G. GRCh37 (hg19) VCF-style: chr2-26741970-C-G.
Other names: c.235G>C, p.Gly79Arg (NM_001287489.2); short protein forms G79R.
Identifiers: ClinVar variation 3605821 (VCV003605821.3).
Genomic context (GRCh38, chr2:26,519,102, plus strand): 5'-TGTCAGTCACCTCCACATGGCTCTCCTCTACCACCTTCTGCAGCACCATGCGGAAGGTCC[C>G]GATGAGCCTGGGGATGGCAGAGGGGGCACGGTGGTAACATGGAAGAGACCAGGGTGAGGA-3'
Protein context (NP_919224.1, residues 69-89): YSKVFSNKLI[Gly79Arg]TFRMVLQKVV

ClinVar aggregate classification (germline): Uncertain significance. Review status: criteria provided, multiple submitters, no conflicts (2 of 4 stars). 2 submissions from 2 submitters: Uncertain significance (2). Last evaluated 2024-09-29.

gnomAD v4.1: 25 of 1,597,098 alleles (0.0016%); highest among the groups gnomAD compares: Non-Finnish European, 0.0021%; no homozygotes.

Submissions (2):

Labcorp Genetics (formerly Invitae), Labcorp
Classification: Uncertain significance. Last evaluated: 2024-09-29. Review status: criteria provided, single submitter. Criteria: Invitae Variant Classification Sherloc (09022015). Collection method: clinical testing. Allele origin: germline.
Comment: This sequence change replaces glycine, which is neutral and non-polar, with arginine, which is basic and polar, at codon 79 of the OTOF protein (p.Gly79Arg). The frequency data for this variant in the population databases is considered unreliable, as metrics indicate poor data quality at this position in the gnomAD database. This variant has not been reported in the literature in individuals affected with OTOF-related conditions. Invitae Evidence Modeling of protein sequence and biophysical properties (such as structural, functional, and spatial information, amino acid conservation, physicochemical variation, residue mobility, and thermodynamic stability) has been performed for this missense variant. However, the output from this modeling did not meet the statistical confidence thresholds required to predict the impact of this variant on OTOF protein function. In summary, the available evidence is currently insufficient to determine the role of this variant in disease. Therefore, it has been classified as a Variant of Uncertain Significance.

Blueprint Genetics
Classification: Uncertain significance. Last evaluated: 2024-06-04. Review status: criteria provided, single submitter. Criteria: ACMG Guidelines, 2015. Collection method: clinical testing. Allele origin: germline.